The following is an entry in ClinVar:

NM_006118.4(HAX1):c.107AAG[7] (p.Glu40_Gly41insGluGlu)

Gene: HAX1 (HCLS1 associated protein X-1; plus strand). Cytogenetic location: 1q21.3.
Variant type: Microsatellite.
Coding change: c.107AAG[7] on transcript NM_006118.4 (MANE Select); seven copies in a row of the 3-base unit AAG starting at c.107; the reference has five copies in a row; two copies, 6 bases duplicated.
Protein change: p.Glu40_Gly41insGluGlu.
Molecular consequence: inframe insertion. On other transcripts: intron variant (1).
Genome position (GRCh38, 1-based): chr1:154,273,398-154,273,403, AAGAAG duplicated; duplicating any 6 consecutive bases within chr1:154,273,388-154,273,403 gives the same sequence; the position shown is the placement nearest the transcript's 3' end. VCF-style (leftmost placement, unchanged base first): chr1-154273387-G-GGAAGAA. GRCh37 (hg19) VCF-style: chr1-154245863-G-GGAAGAA.
Other names: c.54-92GAA[7] (NM_001018837.2).
Identifiers: ClinVar variation 2182936 (VCV002182936.2), dbSNP rs753894148, ClinGen allele CA1127255.

ClinVar aggregate classification (germline): Uncertain significance. Review status: criteria provided, multiple submitters, no conflicts (2 of 4 stars). 2 submissions from 2 submitters: Uncertain significance (2). Last evaluated 2024-05-29.

Conditions:
Kostmann syndrome (SCN3). Also called: Autosomal recessive severe congenital neutropenia type 3; KOSTMANN DISEASE. Identifiers: Orphanet 99749, MedGen C5235141, MONDO:0012548, OMIM 610738.

Submissions (2):

Blueprint Genetics
Classification: Uncertain significance. Last evaluated: 2024-05-29. Review status: criteria provided, single submitter. Criteria: ACMG Guidelines, 2015. Collection method: clinical testing. Allele origin: germline.

Labcorp Genetics (formerly Invitae), Labcorp
Classification: Uncertain significance for Kostmann syndrome. Last evaluated: 2022-11-02. Review status: criteria provided, single submitter. Criteria: Invitae Variant Classification Sherloc (09022015). Collection method: clinical testing. Allele origin: germline.
Comment: This variant, c.116_121dup, results in the insertion of 2 amino acid(s) of the HAX1 protein (p.Glu39_Glu40dup), but otherwise preserves the integrity of the reading frame. This variant is present in population databases (rs753894148, gnomAD 0.006%). This variant has not been reported in the literature in individuals affected with HAX1-related conditions. Experimental studies and prediction algorithms are not available or were not evaluated, and the functional significance of this variant is currently unknown. In summary, the available evidence is currently insufficient to determine the role of this variant in disease. Therefore, it has been classified as a Variant of Uncertain Significance.